The following is an entry in ClinVar:

ClinVar aggregate classification (germline): Likely benign (1 of 4 stars; one submission).

Allele frequency attached by ClinVar (database versions not stated): ExAC 0.00007; gnomAD 0.00011; TOPMed 0.00017; ESP Exome Variant Server 0.00031.
gnomAD v4.1: 88 of 1,614,034 alleles (0.0055%); highest among the groups gnomAD compares: African/African-American, 0.032%; no homozygotes.

Submission:

CeGaT Center for Human Genetics Tuebingen
Classification: Likely benign. Last evaluated: 2022-10-01. Review status: criteria provided, single submitter. Criteria: CeGaT Center For Human Genetics Tuebingen Variant Classification Criteria Version 2. Collection method: clinical testing. Allele origin: germline. Affected: yes. Observed: 1 variant allele.
Comment: ADAMTS9: BP4, BP7

NM_182920.2(ADAMTS9):c.4716C>T (p.Gly1572=)

Gene: ADAMTS9 (ADAM metallopeptidase with thrombospondin type 1 motif 9; minus strand). Cytogenetic location: 3p14.1.
Variant type: single nucleotide variant.
Coding change: c.4716C>T on transcript NM_182920.2 (MANE Select); coding-DNA position 4716, C replaced by T.
Protein change: p.Gly1572=; no amino-acid change (glycine 1572 retained).
Molecular consequence: synonymous variant.
Genome position (GRCh38, 1-based): chr3:64,551,045, G>A on the plus strand (C>T on the coding strand, the complement: ADAMTS9 is on the minus strand). VCF-style: chr3-64551045-G-A. GRCh37 (hg19) VCF-style: chr3-64536721-G-A.
Other names: c.4632C>T, p.Gly1544= (NM_001318781.2).
Identifiers: ClinVar variation 2653945 (VCV002653945.24), dbSNP rs376962279, ClinGen allele CA2480405.